The following is an entry in ClinVar:

NM_017934.7(PHIP):c.1628_1653+13del

Gene: PHIP (PHIP subunit of CUL4-Ring ligase complex; minus strand). Cytogenetic location: 6q14.1.
Variant type: Deletion.
Coding change: c.1628_1653+13del on transcript NM_017934.7 (MANE Select); coding-DNA position 1628 through 13 bases into the intron after coding-DNA position 1653, 39 bases deleted.
Molecular consequence: splice donor variant.
Genome position (GRCh38, 1-based): chr6:79,003,717-79,003,755, 39 bases deleted. GRCh37 (hg19): chr6:79,713,434-79,713,472.
Identifiers: ClinVar variation 1711633 (VCV001711633.30), dbSNP rs2482077737, ClinGen allele CA2580075871.
Genomic context (GRCh38, chr6:79,003,716, plus strand): 5'-ACTCCAAAAACATACAACCCCTAAACATGCATTAAAAAAAAATAAGGACATGATATATAG[TCATCATACTCTACCTTGTCATATTTGCTACTGGACCCAA>T]AGCCAAAAATTAAAAGATGTCCATGAGAGTCTGTGCATGCAAAATGCTGACCATCAGGAG-3'

ClinVar aggregate classification (germline): Pathogenic (1 of 4 stars; one submission).

Submission:

CeGaT Center for Human Genetics Tuebingen
Classification: Pathogenic. Last evaluated: 2022-09-01. Review status: criteria provided, single submitter. Criteria: CeGaT Center For Human Genetics Tuebingen Variant Classification Criteria Version 2. Collection method: clinical testing. Allele origin: germline. Affected: yes. Observed: 1 variant allele.
Comment: PHIP: PVS1, PM2